The following is an entry in ClinVar:

ClinVar aggregate classification (germline): Likely benign (1 of 4 stars; one submission).

Conditions:
Pilarowski-Bjornsson syndrome. Also called: DEVELOPMENTAL DELAY AND SPEECH APRAXIA WITH OR WITHOUT SEIZURES. Identifiers: Orphanet 529965, MedGen C4540131, MONDO:0060568, OMIM 617682.

Allele frequency attached by ClinVar (database versions not stated): gnomAD exomes 0.00001.
gnomAD v4.1: 16 of 1,614,018 alleles (0.00099%); highest among the groups gnomAD compares: Non-Finnish European, 0.0013%; no homozygotes.

Submission:

Victorian Clinical Genetics Services, Murdoch Childrens Research Institute
Classification: Likely benign for Pilarowski-Bjornsson syndrome. Last evaluated: 2023-07-17. Review status: criteria provided, single submitter. Criteria: ACMG Guidelines, 2015. Collection method: clinical testing. Allele origin: germline. Inheritance: Autosomal dominant inheritance. Affected: yes.
Comment: Based on the classification scheme VCGS_Germline_v1.3.4, this variant is classified as Likely benign. Following criteria are met: 0105 - The mechanism of disease for this gene is not clearly established. However, dominant negative is a suggested mechanism of disease (PMID: 28866611). (I) 0107 - This gene is associated with autosomal dominant disease. (I) 0115 - Variants in this gene are known to have variable expressivity. Phenotype is highly variable (OMIM, PMID: 28866611). (I) 0200 - Variant is predicted to result in a missense amino acid change from asparagine to aspartic acid. (I) 0251 - This variant is heterozygous. (I) 0301 - Variant is absent from gnomAD (both v2 and v3). (SP) 0309 - An alternative amino acid change at the same position has been observed in gnomAD (v2) (3 heterozygotes, 0 homozygotes). (I) 0502 - Missense variant with conflicting in silico predictions and uninformative conservation. (I) 0604 - Variant is not located in an established domain, motif, hotspot or informative constraint region. (I) 0705 - No comparable missense variants have previous evidence for pathogenicity. (I) 0807 - This variant has no previous evidence of pathogenicity. (I) 0904 - Non-segregation of this variant with the phenotype under investigation has been clearly demonstrated. (SB) 1007 - No published functional evidence has been identified for this variant. (I) Legend: (SP) - Supporting pathogenic, (I) - Information, (SB) - Supporting benign

Literature cited by the submitters: PubMed 28866611.

NM_001270.4(CHD1):c.679A>G (p.Asn227Asp)

Gene: CHD1 (chromodomain helicase DNA binding protein 1; minus strand). Cytogenetic location: 5q21.1.
Variant type: single nucleotide variant.
Coding change: c.679A>G on transcript NM_001270.4 (MANE Select); coding-DNA position 679, A replaced by G.
Protein change: p.Asn227Asp; replaces asparagine 227 with aspartic acid.
Molecular consequence: missense variant. On other transcripts: non-coding transcript variant (2).
Genome position (GRCh38, 1-based): chr5:98,900,991, T>C on the plus strand (A>G on the coding strand, the complement: CHD1 is on the minus strand). VCF-style: chr5-98900991-T-C. GRCh37 (hg19) VCF-style: chr5-98236695-T-C.
Other names: c.679A>G, p.Asn227Asp (NM_001364113.3, NM_001376194.2); short protein forms N227D.
Identifiers: ClinVar variation 1805410 (VCV001805410.2), dbSNP rs2479715774, ClinGen allele CA360521841.